The following is an entry in ClinVar:

NM_000368.5(TSC1):c.2931dup (p.Leu978fs)

Gene: TSC1 (TSC complex subunit 1; minus strand). Cytogenetic location: 9q34.13.
Variant type: Duplication.
Coding change: c.2931dup on transcript NM_000368.5 (MANE Select); coding-DNA position 2931, one base duplicated (A; older notation c.2931dupA).
Protein change: p.Leu978fs; shifts the reading frame from leucine 978.
Molecular consequence: frameshift variant. On other transcripts: non-coding transcript variant (5).
Genome position (GRCh38, 1-based): chr9:132,897,228, T duplicated on the plus strand (A on the coding strand, the reverse complement: TSC1 is on the minus strand); the first of 6 consecutive T bases (chr9:132,897,228-132,897,233); duplicating any one gives the same sequence. VCF-style (leftmost placement, unchanged base first): chr9-132897227-G-GT. GRCh37 (hg19) VCF-style: chr9-135772614-G-GT.
Other names: c.2931dup, p.Leu978fs (NM_001406592.1, NM_001406593.1, NM_001406594.1 and 2 more transcripts); c.2928dup, p.Leu977fs (NM_001406597.1, NM_001406598.1, NM_001406599.1 and 2 more transcripts); c.2916dup, p.Leu973fs (NM_001406601.1, NM_001406602.1); c.2778dup, p.Leu927fs (NM_001406610.1, NM_001162427.2); c.2775dup, p.Leu926fs (NM_001406611.1, NM_001406612.1); c.2733dup, p.Leu912fs (NM_001406613.1); c.2568dup, p.Leu857fs (NM_001406614.1, NM_001406615.1, NM_001406616.1 and 4 more transcripts); c.2913dup, p.Leu972fs (NM_001406603.1, NM_001406604.1); and 8 more; short protein forms L856fs, L926fs, L927fs, L963fs, L972fs, L973fs, L977fs, L660fs.
Identifiers: ClinVar variation 3669319 (VCV003669319.2).

ClinVar aggregate classification (germline): Uncertain significance (1 of 4 stars; one submission).

Conditions:
Tuberous sclerosis 1 (TSC1). Identifiers: Orphanet 805, MedGen C1854465, MONDO:0008612, OMIM 191100.

Submission:

Labcorp Genetics (formerly Invitae), Labcorp
Classification: Uncertain significance for Tuberous sclerosis 1. Last evaluated: 2024-09-11. Review status: criteria provided, single submitter. Criteria: Invitae Variant Classification Sherloc (09022015). Collection method: clinical testing. Allele origin: germline.
Comment: This sequence change creates a premature translational stop signal (p.Leu978Thrfs*2) in the TSC1 gene. While this is not anticipated to result in nonsense mediated decay, it is expected to disrupt the last 187 amino acid(s) of the TSC1 protein. This variant is not present in population databases (gnomAD no frequency). This variant has not been reported in the literature in individuals affected with TSC1-related conditions. In summary, the available evidence is currently insufficient to determine the role of this variant in disease. Therefore, it has been classified as a Variant of Uncertain Significance.